The following is an entry in ClinVar:

ClinVar aggregate classification (germline): Uncertain significance (1 of 4 stars; one submission).

gnomAD v4.1: 2 of 1,612,330 alleles (0.00012%); highest among the groups gnomAD compares: Non-Finnish European, 0.00017%; no homozygotes.

Submission:

GeneDx
Classification: Uncertain significance. Last evaluated: 2024-03-25. Review status: criteria provided, single submitter. Criteria: GeneDx Variant Classification Process June 2021. Collection method: clinical testing. Allele origin: germline. Affected: yes.
Comment: Not observed at significant frequency in large population cohorts (gnomAD); In silico analysis supports that this missense variant does not alter protein structure/function; Has not been previously published as pathogenic or benign to our knowledge

NM_001035.3(RYR2):c.8458G>A (p.Gly2820Ser)

Gene: RYR2 (ryanodine receptor 2; plus strand). Cytogenetic location: 1q43.
Variant type: single nucleotide variant.
Coding change: c.8458G>A on transcript NM_001035.3 (MANE Select); coding-DNA position 8458, G replaced by A.
Protein change: p.Gly2820Ser; replaces glycine 2820 with serine.
Molecular consequence: missense variant.
Genome position (GRCh38, 1-based): chr1:237,666,533, G>A. VCF-style: chr1-237666533-G-A. GRCh37 (hg19) VCF-style: chr1-237829833-G-A.
Other names: short protein forms G2820S.
Identifiers: ClinVar variation 3371223 (VCV003371223.1).
Genomic context (GRCh38, chr1:237,666,533, plus strand): 5'-TTTTTAATGAGGCACTGTTTTTTCACACAAATGATCTAGGTTTCTGTGGACGCTGCCCAT[G>A]GTTACAGTCCCCGGGCCATTGACATGAGCAATGTTACACTATCTAGAGACCTGCATGTAA-3'
Protein context (NP_001026.2, residues 2810-2830): TSQVSVDAAH[Gly2820Ser]YSPRAIDMSN